The following is an entry in ClinVar:

ClinVar aggregate classification (germline): Uncertain significance. Review status: criteria provided, multiple submitters, no conflicts (2 of 4 stars). 2 submissions from 2 submitters: Uncertain significance (2). Last evaluated 2024-02-20.

Conditions:
Hereditary nonpolyposis colorectal neoplasms. Identifiers: MedGen C0009405, MeSH D003123.

Submissions (2):

Blueprint Genetics
Classification: Uncertain significance. Last evaluated: 2024-02-20. Review status: criteria provided, single submitter. Criteria: ACMG Guidelines, 2015. Collection method: clinical testing. Allele origin: germline.

Labcorp Genetics (formerly Invitae), Labcorp
Classification: Uncertain significance for Hereditary nonpolyposis colorectal neoplasms. Last evaluated: 2022-07-06. Review status: criteria provided, single submitter. Criteria: Invitae Variant Classification Sherloc (09022015). Collection method: clinical testing. Allele origin: germline.
Comment: In summary, the available evidence is currently insufficient to determine the role of this variant in disease. Therefore, it has been classified as a Variant of Uncertain Significance. Advanced modeling of protein sequence and biophysical properties (such as structural, functional, and spatial information, amino acid conservation, physicochemical variation, residue mobility, and thermodynamic stability) performed at Invitae indicates that this missense variant is not expected to disrupt PMS2 protein function. ClinVar contains an entry for this variant (Variation ID: 645847). This variant has not been reported in the literature in individuals affected with PMS2-related conditions. The frequency data for this variant in the population databases (gnomAD) is considered unreliable due to the presence of homologous sequence, such as pseudogenes or paralogs, in the genome. This sequence change replaces serine, which is neutral and polar, with cysteine, which is neutral and slightly polar, at codon 860 of the PMS2 protein (p.Ser860Cys).

NM_000535.7(PMS2):c.2579C>G (p.Ser860Cys)

Gene: PMS2 (PMS1 homolog 2, mismatch repair system component; minus strand). Cytogenetic location: 7p22.1.
Variant type: single nucleotide variant.
Coding change: c.2579C>G on transcript NM_000535.7 (MANE Select); coding-DNA position 2579, C replaced by G.
Protein change: p.Ser860Cys; replaces serine 860 with cysteine.
Molecular consequence: missense variant. On other transcripts: non-coding transcript variant (1).
Genome position (GRCh38, 1-based): chr7:5,973,409, G>C on the plus strand (C>G on the coding strand, the complement: PMS2 is on the minus strand). VCF-style: chr7-5973409-G-C. GRCh37 (hg19) VCF-style: chr7-6013040-G-C.
Other names: c.2174C>G, p.Ser725Cys (NM_001322003.2, NM_001322004.2, NM_001322005.2); c.2423C>G, p.Ser808Cys (NM_001322006.2); c.2261C>G, p.Ser754Cys (NM_001322007.2, NM_001322008.2); c.2207C>G, p.Ser736Cys (NM_001322009.2); c.2018C>G, p.Ser673Cys (NM_001322010.2); c.1646C>G, p.Ser549Cys (NM_001322011.2, NM_001322012.2); c.2006C>G, p.Ser669Cys (NM_001322013.2); c.2612C>G, p.Ser871Cys (NM_001322014.2); and 1 more; short protein forms S549C, S754C, S808C, S871C, S669C, S725C, S736C, S673C.
Identifiers: ClinVar variation 645847 (VCV000645847.9), dbSNP rs1583268744, ClinGen allele CA366734715.